The following is an entry in ClinVar:

ClinVar aggregate classification (germline): Uncertain significance. Review status: criteria provided, multiple submitters, no conflicts (2 of 4 stars). 2 submissions from 2 submitters: Uncertain significance (2). Last evaluated 2023-06-12.

Conditions:
Inborn genetic diseases. Identifiers: MedGen C0950123, MeSH D030342.
Aortic valve disease 2 (AOVD2). Identifiers: MedGen C3542024, MONDO:0013902, OMIM 614823.

Allele frequency attached by ClinVar (database versions not stated): gnomAD 0.00004.
gnomAD v4.1: 10 of 1,390,486 alleles (0.00072%); highest among the groups gnomAD compares: African/African-American, 0.0045%; no homozygotes.

Submissions (2):

Labcorp Genetics (formerly Invitae), Labcorp
Classification: Uncertain significance for Aortic valve disease 2. Last evaluated: 2023-06-12. Review status: criteria provided, single submitter. Criteria: Invitae Variant Classification Sherloc (09022015). Collection method: clinical testing. Allele origin: germline.
Comment: This sequence change replaces arginine, which is basic and polar, with tryptophan, which is neutral and slightly polar, at codon 164 of the SMAD6 protein (p.Arg164Trp). This variant is not present in population databases (gnomAD no frequency). This variant has not been reported in the literature in individuals affected with SMAD6-related conditions. ClinVar contains an entry for this variant (Variation ID: 1744035). Advanced modeling of protein sequence and biophysical properties (such as structural, functional, and spatial information, amino acid conservation, physicochemical variation, residue mobility, and thermodynamic stability) performed at Invitae indicates that this missense variant is not expected to disrupt SMAD6 protein function. In summary, the available evidence is currently insufficient to determine the role of this variant in disease. Therefore, it has been classified as a Variant of Uncertain Significance.

Ambry Genetics
Classification: Uncertain significance for Inborn genetic diseases. Last evaluated: 2021-09-20. Review status: criteria provided, single submitter. Criteria: Ambry Variant Classification Scheme 2023. Collection method: clinical testing. Allele origin: germline.
Comment: The p.R164W variant (also known as c.490C>T), located in coding exon 1 of the SMAD6 gene, results from a C to T substitution at nucleotide position 490. The arginine at codon 164 is replaced by tryptophan, an amino acid with dissimilar properties. This amino acid position is conserved. In addition, the in silico prediction for this alteration is inconclusive. Since supporting evidence is limited at this time, the clinical significance of this alteration remains unclear.

NM_005585.5(SMAD6):c.490C>T (p.Arg164Trp)

Gene: SMAD6 (SMAD family member 6; plus strand). Cytogenetic location: 15q22.31.
Variant type: single nucleotide variant.
Coding change: c.490C>T on transcript NM_005585.5 (MANE Select); coding-DNA position 490, C replaced by T.
Protein change: p.Arg164Trp; replaces arginine 164 with tryptophan.
Molecular consequence: missense variant. On other transcripts: non-coding transcript variant (1).
Genome position (GRCh38, 1-based): chr15:66,703,748, C>T. VCF-style: chr15-66703748-C-T. GRCh37 (hg19) VCF-style: chr15-66996086-C-T.
Other names: short protein forms R164W.
Identifiers: ClinVar variation 1744035 (VCV001744035.5), dbSNP rs942270946, ClinGen allele CA271683038.